The following is an entry in ClinVar:

ClinVar aggregate classification (germline): Uncertain significance (1 of 4 stars; one submission).

Conditions:
Charcot-Marie-Tooth disease type 4. Also called: Charcot-Marie-Tooth disease, type IV; Charcot-Marie-Tooth, Type 4. Identifiers: Orphanet 64749, MedGen C4082197, MONDO:0018995.

Allele frequency attached by ClinVar (database versions not stated): TOPMed below 0.00001.

Submission:

Labcorp Genetics (formerly Invitae), Labcorp
Classification: Uncertain significance for Charcot-Marie-Tooth disease type 4. Last evaluated: 2021-08-31. Review status: criteria provided, single submitter. Criteria: Invitae Variant Classification Sherloc (09022015). Collection method: clinical testing. Allele origin: germline.
Comment: This sequence change replaces valine with alanine at codon 678 of the PRX protein (p.Val678Ala). The valine residue is moderately conserved and there is a small physicochemical difference between valine and alanine. This variant is not present in population databases (ExAC no frequency). This variant has not been reported in the literature in individuals affected with PRX-related conditions. Algorithms developed to predict the effect of missense changes on protein structure and function (SIFT, PolyPhen-2, Align-GVGD) all suggest that this variant is likely to be tolerated. In summary, the available evidence is currently insufficient to determine the role of this variant in disease. Therefore, it has been classified as a Variant of Uncertain Significance.

NM_181882.3(PRX):c.2033T>C (p.Val678Ala)

Gene: PRX (periaxin; minus strand). Cytogenetic location: 19q13.2.
Variant type: single nucleotide variant.
Coding change: c.2033T>C on transcript NM_181882.3 (MANE Select); coding-DNA position 2033, T replaced by C.
Protein change: p.Val678Ala; replaces valine 678 with alanine.
Molecular consequence: missense variant. On other transcripts: 3 prime UTR variant (1).
Genome position (GRCh38, 1-based): chr19:40,396,319, A>G on the plus strand (T>C on the coding strand, the complement: PRX is on the minus strand). VCF-style: chr19-40396319-A-G. GRCh37 (hg19) VCF-style: chr19-40902226-A-G.
Other names: c.*2238T>C (NM_020956.2); short protein forms V678A.
Identifiers: ClinVar variation 574998 (VCV000574998.6), dbSNP rs1568706919, ClinGen allele CA405897142.